The following is an entry in ClinVar:

NM_001098511.3(KIF2A):c.709+6G>A

Gene: KIF2A (kinesin family member 2A; plus strand). Cytogenetic location: 5q12.1.
Variant type: single nucleotide variant.
Coding change: c.709+6G>A on transcript NM_001098511.3 (MANE Select); 6 bases into the intron after coding-DNA position 709, G replaced by A.
Molecular consequence: intron variant.
Genome position (GRCh38, 1-based): chr5:62,357,751, G>A. VCF-style: chr5-62357751-G-A. GRCh37 (hg19) VCF-style: chr5-61653578-G-A.
Other names: c.628+6G>A (NM_001243952.2); c.709+6G>A (NM_004520.5); c.652+6G>A (NM_001243953.2).
Identifiers: ClinVar variation 3620431 (VCV003620431.2).

ClinVar aggregate classification (germline): Uncertain significance (1 of 4 stars; one submission).

gnomAD v4.1: 1 of 1,480,132 alleles (0.000068%); highest among the groups gnomAD compares: Non-Finnish European, 0.000094%; no homozygotes.

Submission:

Labcorp Genetics (formerly Invitae), Labcorp
Classification: Uncertain significance. Last evaluated: 2025-09-15. Review status: criteria provided, single submitter. Criteria: Invitae Variant Classification Sherloc (09022015). Collection method: clinical testing. Allele origin: germline.
Comment: This sequence change falls in intron 8 of the KIF2A gene. It does not directly change the encoded amino acid sequence of the KIF2A protein. It affects a nucleotide within the consensus splice site. This variant is not present in population databases (gnomAD no frequency). This variant has not been reported in the literature in individuals affected with KIF2A-related conditions. ClinVar contains an entry for this variant (Variation ID: 3620431). Variants that disrupt the consensus splice site are a relatively common cause of aberrant splicing (PMID: 17576681, 9536098). Algorithms developed to predict the effect of sequence changes on RNA splicing suggest that this variant is not likely to affect RNA splicing. In summary, the available evidence is currently insufficient to determine the role of this variant in disease. Therefore, it has been classified as a Variant of Uncertain Significance.

Literature cited by the submitters: PubMed 17576681; PubMed 9536098.